The following is an entry in ClinVar:

ClinVar aggregate classification (germline): Benign. Review status: criteria provided, multiple submitters, no conflicts (2 of 4 stars). 7 submissions from 7 submitters: Benign (5). 2 of the submissions do not count toward it. Last evaluated 2026-08-01.

Conditions:
Congenital lactic acidosis, Saguenay-Lac-Saint-Jean type (MC4DN5). Also called: CYTOCHROME c OXIDASE DEFICIENCY, FRENCH CANADIAN TYPE; COX DEFICIENCY, FRENCH CANADIAN TYPE; MITOCHONDRIAL COMPLEX IV DEFICIENCY, NUCLEAR TYPE 5. Identifiers: Orphanet 70472, MedGen C1857355, MONDO:0009069, OMIM 220111.

Allele frequency attached by ClinVar (database versions not stated): 1000 Genomes Project 30x 0.00312; 1000 Genomes Project 0.00319; TOPMed 0.00707; gnomAD exomes 0.00744 and 0.01029; ExAC 0.00747; ESP Exome Variant Server 0.00800; gnomAD 0.00825.

Submissions (7):

CeGaT Center for Human Genetics Tuebingen
Classification: Benign. Last evaluated: 2026-08-01. Review status: criteria provided, single submitter. Criteria: CeGaT Center For Human Genetics Tuebingen Variant Classification Criteria Version 2. Collection method: clinical testing. Allele origin: germline. Affected: yes. Observed: 41 variant alleles.
Comment: LRPPRC: BP4, BP7, BS1, BS2

Labcorp Genetics (formerly Invitae), Labcorp
Classification: Benign. Last evaluated: 2026-02-04. Review status: criteria provided, single submitter. Criteria: Invitae Variant Classification Sherloc (09022015). Collection method: clinical testing. Allele origin: germline.

Illumina Laboratory Services, Illumina
Classification: Benign for Congenital lactic acidosis, Saguenay-Lac-Saint-Jean type. Last evaluated: 2017-04-27. Review status: criteria provided, single submitter. Criteria: ICSL Variant Classification Criteria 13 December 2019. Collection method: clinical testing. Allele origin: germline.
Comment: This variant was observed as part of a predisposition screen in an ostensibly healthy population. A literature search was performed for the gene, cDNA change, and amino acid change (where applicable). Publications were found based on this search. The evidence from the literature, in combination with allele frequency data from public databases where available, was sufficient to rule this variant out of causing disease. Therefore, this variant is classified as benign.

GeneDx
Classification: Benign. Last evaluated: 2013-11-02. Review status: criteria provided, single submitter. Criteria: GeneDx Variant Classification (06012015). Collection method: clinical testing. Allele origin: germline. Affected: yes.
Comment: This variant is considered likely benign or benign based on one or more of the following criteria: it is a conservative change, it occurs at a poorly conserved position in the protein, it is predicted to be benign by multiple in silico algorithms, and/or has population frequency not consistent with disease.

Breakthrough Genomics
Classification: Benign. Review status: criteria provided, single submitter. Criteria: ACMG Guidelines, 2015. Collection method: not provided. Allele origin: germline. Inheritance: Autosomal recessive inheritance. Affected: yes.

Natera, Inc.
Classification: Likely benign for French-Canadian type Leigh syndrome. Last evaluated: 2019-12-04. Review status: no assertion criteria provided. Collection method: clinical testing. Allele origin: germline. Not counted in ClinVar's aggregate classification.

Mayo Clinic Laboratories, Mayo Clinic
Classification: Benign. Last evaluated: 2016-02-26. Review status: no assertion criteria provided. Collection method: clinical testing. Allele origin: unknown. Not counted in ClinVar's aggregate classification.

Literature cited by the submitters: PubMed 27574110 (cited by Illumina Laboratory Services, Illumina); PubMed 21437181 (cited by Illumina Laboratory Services, Illumina).

NM_133259.4(LRPPRC):c.2481A>G (p.Pro827=)

Gene: LRPPRC (leucine rich pentatricopeptide repeat containing; minus strand). Cytogenetic location: 2p21.
Variant type: single nucleotide variant.
Coding change: c.2481A>G on transcript NM_133259.4 (MANE Select); coding-DNA position 2481, A replaced by G.
Protein change: p.Pro827=; no amino-acid change (proline 827 retained).
Molecular consequence: synonymous variant.
Genome position (GRCh38, 1-based): chr2:43,943,710, T>C on the plus strand (A>G on the coding strand, the complement: LRPPRC is on the minus strand). VCF-style: chr2-43943710-T-C. GRCh37 (hg19) VCF-style: chr2-44170849-T-C.
Other names: p.P827P:CCA>CCG.
Identifiers: ClinVar variation 138146 (VCV000138146.54), dbSNP rs115993634, ClinGen allele CA291976.